The following is an entry in ClinVar:

NM_003124.5(SPR):c.655C>T (p.Arg219Ter)

Gene: SPR (sepiapterin reductase; plus strand). Cytogenetic location: 2p13.2.
Variant type: single nucleotide variant.
Coding change: c.655C>T on transcript NM_003124.5 (MANE Select); coding-DNA position 655, C replaced by T.
Protein change: p.Arg219Ter; replaces arginine 219 with a stop codon.
Molecular consequence: nonsense.
Genome position (GRCh38, 1-based): chr2:72,891,406, C>T. VCF-style: chr2-72891406-C-T. GRCh37 (hg19) VCF-style: chr2-73118535-C-T.
Other names: short protein forms R219*.
Identifiers: ClinVar variation 235551 (VCV000235551.18), dbSNP rs779204655, ClinGen allele CA1709015.

ClinVar aggregate classification (germline): Pathogenic/Likely pathogenic. Review status: criteria provided, multiple submitters, no conflicts (2 of 4 stars). 11 submissions from 11 submitters: Pathogenic (10); Likely pathogenic (1). Last evaluated 2024-10-10.

Conditions:
SPR-related disorder. Also called: SPR-related condition.
Dystonic disorder. Also called: Dystonia. Identifiers: MedGen C0013421, MONDO:0003441, HP:0001332.
Dopa-responsive dystonia due to sepiapterin reductase deficiency. Also called: DYT-SPR; SPR DEFICIENCY; Sepiapterin reductase deficiency. Identifiers: Orphanet 70594, MedGen C0268468, MONDO:0012994, OMIM 612716.

Allele frequency attached by ClinVar (database versions not stated): gnomAD 0.00001 and 0.00002; gnomAD exomes 0.00001 and 0.00003; TOPMed 0.00001; ExAC 0.00002; 1000 Genomes Project 30x 0.00016.
gnomAD v4.1: 18 of 1,614,114 alleles (0.0011%); highest among the groups gnomAD compares: Middle Eastern, 0.049%; no homozygotes.

Submissions (11):

Women's Health and Genetics/Laboratory Corporation of America, LabCorp
Classification: Pathogenic for Dopa-responsive dystonia due to sepiapterin reductase deficiency. Last evaluated: 2024-10-10. Review status: criteria provided, single submitter. Criteria: LabCorp Variant Classification Summary - May 2015. Collection method: clinical testing. Allele origin: germline.
Comment: Variant summary: SPR c.655C>T (p.Arg219X) results in a premature termination codon, predicted to cause a truncation of the encoded protein or absence of the protein. The variant allele was found at a frequency of 3.2e-05 in 251456 control chromosomes. c.655C>T has been reported in the literature in individuals affected with Multiple malformation syndromes (example: Kritioti_2021). These data indicate that the variant is likely to be associated with disease.The following publication has been ascertained in the context of this evaluation (PMID: 34324503). ClinVar contains an entry for this variant (Variation ID: 235551). Based on the evidence outlined above, the variant was classified as pathogenic.

Dasa
Classification: Pathogenic. Last evaluated: 2024-06-11. Review status: criteria provided, single submitter. Criteria: DASA Assertion Criteria. Collection method: clinical testing. Allele origin: germline.
Comment: NM_003124.5(SPR):c.655C>T (p.Arg219*) introduces a premature termination codon predicted to result in loss of normal protein function. Loss-of-function is an established mechanism of disease for this gene. This variant has been recurrently observed in individuals with related phenotype (PMID: 34324503; PMID: 22291068). Segregation evidence has been reported in affected families. Multiple computational predictions support a deleterious effect on the gene or gene product. The variant is present at low frequency in population datasets. Based on the available data, this variant is classified as pathogenic.

Blueprint Genetics
Classification: Pathogenic for SPR-related disorders. Last evaluated: 2024-03-25. Review status: criteria provided, single submitter. Criteria: ACMG Guidelines, 2015. Collection method: clinical testing. Allele origin: germline. Affected: yes. Observed: 2 variant alleles.

3billion
Classification: Pathogenic for Dopa-responsive dystonia due to sepiapterin reductase deficiency. Last evaluated: 2023-08-08. Review status: criteria provided, single submitter. Criteria: ACMG Guidelines, 2015. Collection method: clinical testing. Allele origin: germline. Affected: yes.
Comment: The variant is observed at an extremely low frequency in the gnomAD v2.1.1 dataset (total allele frequency: 0.003%). Predicted Consequence/Location: Stop-gained (nonsense): predicted to result in a loss or disruption of normal protein function through protein truncation. The predicted truncated protein may be shortened by more than 10%. The variant has been reported at least twice as pathogenic with clinical assertions and evidence for the classification (ClinVar ID: VCV000235551 /PMID: 22291068). Therefore, this variant is classified as Pathogenic according to the recommendation of ACMG/AMP guideline.

Labcorp Genetics (formerly Invitae), Labcorp
Classification: Pathogenic for Dystonic disorder. Last evaluated: 2023-06-09. Review status: criteria provided, single submitter. Criteria: Invitae Variant Classification Sherloc (09022015). Collection method: clinical testing. Allele origin: germline.
Comment: For these reasons, this variant has been classified as Pathogenic. This variant disrupts a region of the SPR protein in which other variant(s) (p.Lys251*) have been determined to be pathogenic (PMID: 16917893, 18502672, 21431957, 21677200, 24212389, 25763508, 29116116). This suggests that this is a clinically significant region of the protein, and that variants that disrupt it are likely to be disease-causing. ClinVar contains an entry for this variant (Variation ID: 235551). This premature translational stop signal has been observed in individual(s) with sepiapterin reductase deficiency and/or SPR-related conditions (PMID: 22291068, 34324503). It has also been observed to segregate with disease in related individuals. This variant is present in population databases (rs779204655, gnomAD 0.01%). This sequence change creates a premature translational stop signal (p.Arg219*) in the SPR gene. While this is not anticipated to result in nonsense mediated decay, it is expected to disrupt the last 43 amino acid(s) of the SPR protein.

GeneDx
Classification: Pathogenic. Last evaluated: 2023-06-08. Review status: criteria provided, single submitter. Criteria: GeneDx Variant Classification Process June 2021. Collection method: clinical testing. Allele origin: germline. Affected: yes.
Comment: Nonsense variant predicted to result in protein truncation, as the last 43 amino acids are lost, and other loss-of-function variants have been reported downstream in HGMD; Not observed at significant frequency in large population cohorts (gnomAD); This variant is associated with the following publications: (PMID: 31980526, 31589614, 22291068, 34324503)

Cytogenetics and Genomics Lab, Cyprus Institute Of Neurology and Genetics
Classification: Pathogenic for Dopa-responsive dystonia due to sepiapterin reductase deficiency. Last evaluated: 2020-04-10. Review status: criteria provided, single submitter. Criteria: ACMG Guidelines, 2015. Collection method: research. Allele origin: inherited. Inheritance: Autosomal recessive inheritance. Affected: yes. Observed: 1 homozygote.

Victorian Clinical Genetics Services, Murdoch Childrens Research Institute
Classification: Pathogenic for Dopa-responsive dystonia due to sepiapterin reductase deficiency. Last evaluated: 2019-08-28. Review status: criteria provided, single submitter. Criteria: ACMG Guidelines, 2015. Collection method: clinical testing. Allele origin: germline.
Comment: A heterozygous nonsense variant, NM_003124.4(SPR):c.655C>T, has been identified in exon 3 of 3 of the SPR gene. The variant is predicted to result in a premature stop codon at position 219 of the protein (NP_003115.1(SPR):p.Arg219*). This variant is predicted to result in loss of protein function through truncation (although no known functional domains are affected), which is a reported mechanism of pathogenicity for this gene. The variant is present in the gnomAD database at a frequency of 0.0032% (9 heterozygotes, 0 homozygotes). The variant has been previously described as pathogenic in several patients with dystonia (ClinVar, Friedman, J., et al. (2012), Dill, P., et al. (2012), Reale, C., et al. (2018)). Several variants also resulting in a premature termination codon have also been reported in multiple patients with dystonia (ClinVar, Friedman, J., et al. (2012)). Based on the information available at the time of curation, this variant has been classified as PATHOGENIC.

Genomic Research Center, Shahid Beheshti University of Medical Sciences
Classification: Pathogenic for Dopa-responsive dystonia due to sepiapterin reductase deficiency. Last evaluated: 2018-03-05. Review status: criteria provided, single submitter. Criteria: ACMG Guidelines, 2015. Collection method: clinical testing. Allele origin: inherited. Affected: yes. Observed: 1 variant allele.

Center for Pediatric Genomic Medicine, Children's Mercy Hospital and Clinics
Classification: Pathogenic. Last evaluated: 2016-05-18. Review status: criteria provided, single submitter. Criteria: ACMG Guidelines, 2015. Collection method: clinical testing. Allele origin: germline.

Juno Genomics, Hangzhou Juno Genomics, Inc
Classification: Likely pathogenic for Dopa-responsive dystonia due to sepiapterin reductase deficiency. Review status: criteria provided, single submitter. Criteria: ACMG Guidelines, 2015. Collection method: clinical testing. Allele origin: germline.
Comment: Absent from controls (or at extremely low frequency if recessive) in Genome Aggregation Database.;Null variant in a gene where loss of function (LOF) is a known mechanism of disease.;For recessive disorders, detected in trans with a pathogenic variant.

Literature cited by the submitters: PubMed 34324503 (cited by 3 submitters); PubMed 22291068 (cited by 4 submitters); PubMed 16917893 (cited by Labcorp Genetics (formerly Invitae), Labcorp); PubMed 18502672 (cited by Labcorp Genetics (formerly Invitae), Labcorp); PubMed 21431957 (cited by Labcorp Genetics (formerly Invitae), Labcorp); PubMed 21677200 (cited by Labcorp Genetics (formerly Invitae), Labcorp); PubMed 24212389 (cited by Labcorp Genetics (formerly Invitae), Labcorp); PubMed 25763508 (cited by Labcorp Genetics (formerly Invitae), Labcorp); PubMed 29116116 (cited by Labcorp Genetics (formerly Invitae), Labcorp).